The following is an entry in ClinVar:

ClinVar aggregate classification (germline): Benign. Review status: reviewed by expert panel (3 of 4 stars). 41 submissions from 41 submitters: Benign (1). 40 of the submissions do not count toward it. Last evaluated 2015-08-10.

Conditions:
Inherited prostate cancer.
BRCA1-related cancer predisposition. Identifiers: MedGen CN377757, MONDO:0700268.
Hereditary cancer-predisposing syndrome. Also called: Neoplastic Syndromes, Hereditary; Hereditary neoplastic syndrome; Hereditary Cancer Syndrome; Tumor predisposition. Identifiers: Orphanet 140162, MedGen C0027672, MeSH D009386, MONDO:0015356.
Breast and/or ovarian cancer. Identifiers: MedGen CN221562.
Breast neoplasm. Also called: Breast Neoplasms; Neoplasm of breast; Breast tumor; Neoplasm of the breast. Identifiers: MedGen C1458155, MeSH D001943, MONDO:0021100, HP:0100013. Disease mechanism: gain of function.
Hereditary breast ovarian cancer syndrome. Also called: Hereditary breast and ovarian cancer syndrome (HBOC); Breast and ovarian cancer; BRCA1- and BRCA2-Associated Hereditary Breast and Ovarian Cancer; Hereditary breast and ovarian cancer syndrome; Hereditary breast and ovarian cancer; Hereditary breast and/or ovarian cancer syndrome. Identifiers: Orphanet 145, MedGen C0677776, MeSH D061325, MONDO:0003582. Disease mechanism: loss of function.
Breast-ovarian cancer, familial, susceptibility to, 1 (BROVCA1). Also called: BRCA1 Hereditary Breast and Ovarian Cancer; OVARIAN CANCER, SUSCEPTIBILITY TO. Identifiers: Orphanet 145, MedGen C2676676, MONDO:0011450, OMIM 604370. Disease mechanism: loss of function.
Malignant tumor of breast. Also called: Malignant breast neoplasm; Cancer breast. Identifiers: MedGen C0006142, MONDO:0007254. Disease mechanism: loss of function.

Allele frequency attached by ClinVar (database versions not stated): TOPMed 0.00040; gnomAD 0.00033 and 0.00029; ExAC 0.00027; 1000 Genomes Project 30x 0.00031; 1000 Genomes Project 0.00020; gnomAD exomes 0.00032 and 0.00026; ESP Exome Variant Server 0.00031.
gnomAD v4.1: 542 of 1,613,938 alleles (0.034%); highest among the groups gnomAD compares: Middle Eastern, 1.8%; 8 homozygotes.

Submissions 1 to 15 of 41:

Evidence-based Network for the Interpretation of Germline Mutant Alleles (ENIGMA)
Classification: Benign for Breast-ovarian cancer, familial 1. Last evaluated: 2015-08-10. Review status: reviewed by expert panel. Criteria: ENIGMA BRCA1/2 Classification Criteria (2015). Collection method: curation. Allele origin: germline.
Comment: IARC class based on posterior probability from multifactorial likelihood analysis, thresholds for class as per Plon et al. 2008 (PMID: 18951446). Class 1 based on posterior probability = 0.00000000000163

CeGaT Center for Human Genetics Tuebingen
Classification: Benign. Last evaluated: 2026-08-01. Review status: criteria provided, single submitter. Criteria: CeGaT Center For Human Genetics Tuebingen Variant Classification Criteria Version 2. Collection method: clinical testing. Allele origin: germline. Affected: yes. Observed: 33 variant alleles. Not counted in ClinVar's aggregate classification.
Comment: BRCA1: BP1, BS3:Moderate, BS1

Cambridge Genomics Laboratory, East Genomic Laboratory Hub, NHS Genomic Medicine Service
Classification: Benign for Inherited prostate cancer. Last evaluated: 2026-04-30. Review status: criteria provided, single submitter. Criteria: ACGS Best Practice Guidelines for Variant Classification in Rare Disease 2020. Collection method: clinical testing. Allele origin: germline. Affected: yes. Not counted in ClinVar's aggregate classification.
Comment: BS1_Strong,BP1_Strong,BP4,BP5_Very Strong

Labcorp Genetics (formerly Invitae), Labcorp
Classification: Benign for Hereditary breast ovarian cancer syndrome. Last evaluated: 2026-02-02. Review status: criteria provided, single submitter. Criteria: Invitae Variant Classification Sherloc (09022015). Collection method: clinical testing. Allele origin: germline. Not counted in ClinVar's aggregate classification.

Dasa
Classification: Benign for Breast-ovarian cancer, familial, susceptibility to, 1. Last evaluated: 2025-11-05. Review status: criteria provided, single submitter. Criteria: DASA Assertion Criteria. Collection method: clinical testing. Allele origin: germline. Not counted in ClinVar's aggregate classification.
Comment: NM_007294.4(BRCA1):c.1648A>C (p.Asn550His) is a missense variant that results in the substitution of asparagine with histidine. Population frequency is inconsistent with a disease-causing role for this variant, observations in unaffected individuals support a benign interpretation, and functional evidence is consistent with no deleterious impact on the gene or gene product. Therefore, based on the currently available evidence, this variant is classified as benign.

Center for Genomic Medicine, Rigshospitalet, Copenhagen University Hospital
Classification: Benign. Last evaluated: 2025-03-04. Review status: criteria provided, single submitter. Criteria: ACMG Guidelines, 2015. Collection method: clinical testing. Allele origin: germline. Not counted in ClinVar's aggregate classification.

Blueprint Genetics
Classification: Benign. Last evaluated: 2024-11-12. Review status: criteria provided, single submitter. Criteria: ACMG Guidelines, 2015. Collection method: clinical testing. Allele origin: germline. Not counted in ClinVar's aggregate classification.

All of Us Research Program, National Institutes of Health
Classification: Likely benign for BRCA1-related cancer predisposition. Last evaluated: 2024-09-27. Review status: criteria provided, single submitter. Criteria: ACMG Guidelines, 2015. Collection method: clinical testing. Allele origin: germline. Inheritance: Autosomal dominant inheritance. Observed: 135 variant alleles, 134 heterozygotes, 1 homozygote. Not counted in ClinVar's aggregate classification.
Comment: This study involves interpretation of variants in research participants for the purpose of population health screening. Participant phenotype was not available at the time of variant classification. Additional details can be found in publication PMID: 35346344, PMCID: PMC8962531

ARUP Laboratories, Molecular Genetics and Genomics, ARUP Laboratories
Classification: Benign. Last evaluated: 2024-09-11. Review status: criteria provided, single submitter. Criteria: ARUP Molecular Germline Variant Investigation Process 2024. Collection method: clinical testing. Allele origin: germline. Not counted in ClinVar's aggregate classification.

KCCC/NGS Laboratory, Kuwait Cancer Control Center
Classification: Benign for Breast-ovarian cancer, familial, susceptibility to, 1. Last evaluated: 2023-07-07. Review status: criteria provided, single submitter. Criteria: ACMG Guidelines, 2015. Collection method: clinical testing. Allele origin: germline. Affected: yes. Not counted in ClinVar's aggregate classification.

CHEO Genetics Diagnostic Laboratory, Children's Hospital of Eastern Ontario
Classification: Likely benign for Breast and/or ovarian cancer. Last evaluated: 2023-02-22. Review status: criteria provided, single submitter. Criteria: ACMG Guidelines, 2015. Collection method: clinical testing. Allele origin: germline. Study: Canadian Open Genetics Repository. Not counted in ClinVar's aggregate classification.

Quest Diagnostics Nichols Institute San Juan Capistrano
Classification: Benign. Last evaluated: 2022-07-01. Review status: criteria provided, single submitter. Criteria: Quest Diagnostics criteria. Collection method: clinical testing. Allele origin: unknown. Not counted in ClinVar's aggregate classification.

Genetic Services Laboratory, University of Chicago
Classification: Likely benign. Last evaluated: 2022-01-19. Review status: criteria provided, single submitter. Criteria: ACMG Guidelines, 2015. Collection method: clinical testing. Allele origin: germline. Affected: no. Not counted in ClinVar's aggregate classification.

Sema4
Classification: Benign for Hereditary cancer-predisposing syndrome. Last evaluated: 2020-06-25. Review status: criteria provided, single submitter. Criteria: Sema4 Curation Guidelines. Collection method: curation. Allele origin: germline. Not counted in ClinVar's aggregate classification.

Genomic Research Center, Shahid Beheshti University of Medical Sciences
Classification: Likely benign for Breast-ovarian cancer, familial 1. Last evaluated: 2020-05-03. Review status: criteria provided, single submitter. Criteria: ACMG Guidelines, 2015. Collection method: clinical testing. Allele origin: unknown. Affected: yes. Not counted in ClinVar's aggregate classification.

NM_007294.4(BRCA1):c.1648A>C (p.Asn550His)

Gene: BRCA1 (BRCA1 DNA repair associated; minus strand). Cytogenetic location: 17q21.31.
Variant type: single nucleotide variant.
Coding change: c.1648A>C on transcript NM_007294.4 (MANE Select); coding-DNA position 1648, A replaced by C.
Protein change: p.Asn550His; replaces asparagine 550 with histidine.
Molecular consequence: missense variant. On other transcripts: intron variant (137).
Genome position (GRCh38, 1-based): chr17:43,093,883, T>G on the plus strand (A>C on the coding strand, the complement: BRCA1 is on the minus strand). VCF-style: chr17-43093883-T-G. GRCh37 (hg19) VCF-style: chr17-41245900-T-G.
Other names: p.N550H:AAT>CAT; 1767A>C; c.1435A>C, p.Asn479His (NM_001407571.1, NM_001407853.1, NM_001407894.1 and 9 more transcripts); c.1648A>C, p.Asn550His (NM_001407581.1, NM_001407582.1, NM_001407583.1 and 30 more transcripts); c.1645A>C, p.Asn549His (NM_001407587.1, NM_001407590.1, NM_001407591.1 and 22 more transcripts); c.1639A>C, p.Asn547His (NM_001407646.1, NM_001407647.1); c.1525A>C, p.Asn509His (NM_001407648.1, NM_001407664.1, NM_001407665.1 and 19 more transcripts); c.1522A>C, p.Asn508His (NM_001407649.1, NM_001407670.1, NM_001407671.1 and 11 more transcripts); and 42 more; short protein forms N550H, N503H, N461H, N482H, N254H, N382H, N479H, N483H.
Identifiers: ClinVar variation 37423 (VCV000037423.101), dbSNP rs56012641, ClinGen allele CA001090.